The following is an entry in ClinVar:

ClinVar aggregate classification (germline): Likely benign (0 of 4 stars; one submission).

Conditions:
AXIN1-related disorder. Also called: AXIN1-related condition.

Allele frequency attached by ClinVar (database versions not stated): gnomAD exomes 0.00001; ExAC 0.00002; TOPMed 0.00002; gnomAD 0.00003.
gnomAD v4.1: 16 of 1,612,764 alleles (0.00099%); highest among the groups gnomAD compares: African/African-American, 0.008%; no homozygotes.

Submission:

PreventionGenetics, part of Exact Sciences
Classification: Likely benign for AXIN1-related condition. Last evaluated: 2019-04-05. Review status: no assertion criteria provided. Collection method: clinical testing. Allele origin: germline.
Comment: This variant is classified as likely benign based on ACMG/AMP sequence variant interpretation guidelines (Richards et al. 2015 PMID: 25741868, with internal and published modifications).

NM_003502.4(AXIN1):c.1116+10G>A

Gene: AXIN1 (axin 1; minus strand). Cytogenetic location: 16p13.3.
Variant type: single nucleotide variant.
Coding change: c.1116+10G>A on transcript NM_003502.4 (MANE Select); 10 bases into the intron after coding-DNA position 1116, G replaced by A.
Molecular consequence: intron variant.
Genome position (GRCh38, 1-based): chr16:309,963, C>T on the plus strand (G>A on the coding strand, the complement: AXIN1 is on the minus strand). VCF-style: chr16-309963-C-T. GRCh37 (hg19) VCF-style: chr16-359963-C-T.
Other names: c.1116+10G>A (NM_181050.3).
Identifiers: ClinVar variation 3057946 (VCV003057946.2), dbSNP rs769686933, ClinGen allele CA7774329.
Genomic context (GRCh38, chr16:309,963, plus strand): 5'-CGGACCAGTTCACCAGGCCCACGCTGAGCGGGGAGGACGATGGGCTGAGGACCGCAAAGC[C>T]GGTACTTACGGGAATGTGAGGTAGGGGCACCCGCCCATTGACCTGCACGCTCTCCTGCAT-3'